The following is an entry in ClinVar:

NM_015425.6(POLR1A):c.1380+2TG[18]

Gene: POLR1A (RNA polymerase I subunit A; minus strand). Cytogenetic location: 2p11.2.
Variant type: Microsatellite.
Coding change: c.1380+2TG[18] on transcript NM_015425.6 (MANE Select); 18 copies in a row of the 2-base unit TG starting at c.1380+2; the reference has 23 copies in a row; five copies, 10 bases deleted.
Molecular consequence: splice donor variant.
Genome position (GRCh38, 1-based): chr2:86,077,812-86,077,821, CACACACACA deleted on the plus strand (TGTGTGTGTG on the coding strand, the reverse complement: POLR1A is on the minus strand); deleting any 10 consecutive bases within chr2:86,077,812-86,077,858 gives the same sequence; the position shown is the placement nearest the transcript's 3' end. VCF-style (leftmost placement, unchanged base first): chr2-86077811-GCACACACACA-G. GRCh37 (hg19) VCF-style: chr2-86304934-GCACACACACA-G.
Identifiers: ClinVar variation 1707176 (VCV001707176.2), dbSNP rs56874564, ClinGen allele CA1746363.
Genomic context (GRCh38, chr2:86,077,811, plus strand): 5'-TCCTCTGCGGCATTCTCATCTGCCACCCACGGGGAGCAAATGAGCCCTGCACGCGCGCGC[GCACACACACA>G]CACACACACACACACACACACACACACACACACACACCATGGGAATTCCAATTTCGTTGG-3'

ClinVar aggregate classification (germline): Likely benign (1 of 4 stars; one submission).

Submission:

GeneDx
Classification: Likely benign. Last evaluated: 2021-05-29. Review status: criteria provided, single submitter. Criteria: GeneDx Variant Classification Process June 2021. Collection method: clinical testing. Allele origin: germline. Affected: yes.
Comment: See Variant Classification Assertion Criteria.